The following is an entry in ClinVar:

NM_002439.5(MSH3):c.3197G>A (p.Arg1066Lys)

Gene: MSH3 (mutS homolog 3; plus strand). Cytogenetic location: 5q14.1.
Variant type: single nucleotide variant.
Coding change: c.3197G>A on transcript NM_002439.5 (MANE Select); coding-DNA position 3197, G replaced by A.
Protein change: p.Arg1066Lys; replaces arginine 1066 with lysine.
Molecular consequence: missense variant.
Genome position (GRCh38, 1-based): chr5:80,873,182, G>A. VCF-style: chr5-80873182-G-A. GRCh37 (hg19) VCF-style: chr5-80169001-G-A.
Other names: c.3197G>A (NM_002439.3); short protein forms R1066K.
Identifiers: ClinVar variation 1043263 (VCV001043263.7), dbSNP rs769290159, ClinGen allele CA360346919.

ClinVar aggregate classification (germline): Uncertain significance. Review status: criteria provided, multiple submitters, no conflicts (2 of 4 stars). 2 submissions from 2 submitters: Uncertain significance (2). Last evaluated 2026-02-13.

Conditions:
Hereditary cancer-predisposing syndrome. Also called: Hereditary Cancer Syndrome; Neoplastic Syndromes, Hereditary; Tumor predisposition; Hereditary neoplastic syndrome. Identifiers: Orphanet 140162, MedGen C0027672, MeSH D009386, MONDO:0015356.

Submissions (2):

Ambry Genetics
Classification: Uncertain significance for Hereditary cancer-predisposing syndrome. Last evaluated: 2026-02-13. Review status: criteria provided, single submitter. Criteria: Ambry Variant Classification Scheme 2023. Collection method: clinical testing. Allele origin: germline.
Comment: The p.R1066K variant (also known as c.3197G>A), located in coding exon 23 of the MSH3 gene, results from a G to A substitution at nucleotide position 3197. The arginine at codon 1066 is replaced by lysine, an amino acid with highly similar properties. This amino acid position is highly conserved in available vertebrate species. In addition, the in silico prediction for this alteration is inconclusive. Based on the available evidence, the clinical significance of this variant remains unclear.

Labcorp Genetics (formerly Invitae), Labcorp
Classification: Uncertain significance. Last evaluated: 2021-09-23. Review status: criteria provided, single submitter. Criteria: Invitae Variant Classification Sherloc (09022015). Collection method: clinical testing. Allele origin: germline.
Comment: In summary, the available evidence is currently insufficient to determine the role of this variant in disease. Therefore, it has been classified as a Variant of Uncertain Significance. This sequence change replaces arginine with lysine at codon 1066 of the MSH3 protein (p.Arg1066Lys). The arginine residue is moderately conserved and there is a small physicochemical difference between arginine and lysine. This variant is not present in population databases (ExAC no frequency). This variant has not been reported in the literature in individuals affected with MSH3-related conditions. Algorithms developed to predict the effect of missense changes on protein structure and function are either unavailable or do not agree on the potential impact of this missense change (SIFT: "Tolerated"; PolyPhen-2: "Possibly Damaging"; Align-GVGD: "Class C0").